The following is an entry in ClinVar:

NM_000276.4(OCRL):c.2235A>G (p.Leu745=)

Gene: OCRL (OCRL inositol polyphosphate-5-phosphatase; plus strand). Cytogenetic location: Xq26.1.
Variant type: single nucleotide variant.
Coding change: c.2235A>G on transcript NM_000276.4 (MANE Select); coding-DNA position 2235, A replaced by G.
Protein change: p.Leu745=; no amino-acid change (leucine 745 retained).
Molecular consequence: synonymous variant.
Genome position (GRCh38, 1-based): chrX:129,587,097, A>G. VCF-style: chrX-129587097-A-G. GRCh37 (hg19) VCF-style: chrX-128721074-A-G.
Other names: c.2238A>G, p.Leu746= (NM_001318784.2); c.2211A>G, p.Leu737= (NM_001587.4).
Identifiers: ClinVar variation 3026578 (VCV003026578.22), dbSNP rs2521943228, ClinGen allele CA518546224.

ClinVar aggregate classification (germline): Likely benign (1 of 4 stars; one submission).

Allele frequency attached by ClinVar (database versions not stated): gnomAD exomes 0.00001.
gnomAD v4.1: 3 of 1,184,515 alleles (0.00025%); highest among the groups gnomAD compares: Non-Finnish European, 0.00034%; no homozygotes.

Submission:

CeGaT Center for Human Genetics Tuebingen
Classification: Likely benign. Last evaluated: 2023-12-01. Review status: criteria provided, single submitter. Criteria: CeGaT Center For Human Genetics Tuebingen Variant Classification Criteria Version 2. Collection method: clinical testing. Allele origin: germline. Affected: yes. Observed: 1 variant allele.
Comment: OCRL: PM2:Supporting, BP4, BP7